The following is an entry in ClinVar:

ClinVar aggregate classification (germline): Uncertain significance (1 of 4 stars; one submission).

gnomAD v4.1: 2 of 1,608,640 alleles (0.00012%); highest among the groups gnomAD compares: Admixed American, 0.0033%; no homozygotes.

Submission:

Labcorp Genetics (formerly Invitae), Labcorp
Classification: Uncertain significance. Last evaluated: 2024-10-30. Review status: criteria provided, single submitter. Criteria: Invitae Variant Classification Sherloc (09022015). Collection method: clinical testing. Allele origin: germline.
Comment: This sequence change replaces serine, which is neutral and polar, with phenylalanine, which is neutral and non-polar, at codon 74 of the WNK4 protein (p.Ser74Phe). This variant is present in population databases (rs763524017, gnomAD 0.006%). This variant has not been reported in the literature in individuals affected with WNK4-related conditions. Invitae Evidence Modeling of protein sequence and biophysical properties (such as structural, functional, and spatial information, amino acid conservation, physicochemical variation, residue mobility, and thermodynamic stability) indicates that this missense variant is not expected to disrupt WNK4 protein function with a negative predictive value of 95%. In summary, the available evidence is currently insufficient to determine the role of this variant in disease. Therefore, it has been classified as a Variant of Uncertain Significance.

NM_032387.5(WNK4):c.221C>T (p.Ser74Phe)

Gene: WNK4 (WNK lysine deficient protein kinase 4; plus strand). Cytogenetic location: 17q21.2.
Variant type: single nucleotide variant.
Coding change: c.221C>T on transcript NM_032387.5 (MANE Select); coding-DNA position 221, C replaced by T.
Protein change: p.Ser74Phe; replaces serine 74 with phenylalanine.
Molecular consequence: missense variant. On other transcripts: 5 prime UTR variant (1).
Genome position (GRCh38, 1-based): chr17:42,780,919, C>T. VCF-style: chr17-42780919-C-T. GRCh37 (hg19) VCF-style: chr17-40932937-C-T.
Other names: c.-699C>T (NM_001321299.2); short protein forms S74F.
Identifiers: ClinVar variation 3660487 (VCV003660487.2).